The following is an entry in ClinVar:

ClinVar aggregate classification (germline): Uncertain significance (1 of 4 stars; one submission).

Conditions:
Primary familial hypertrophic cardiomyopathy (HCM). Identifiers: Orphanet 99739, MedGen C0949658, MeSH D024741, MONDO:0024573. Inheritance: Various modes of inheritance.
Dilated cardiomyopathy 1AA (CMD1AA). Also called: CARDIOMYOPATHY, DILATED, 1AA, WITH OR WITHOUT LEFT VENTRICULAR NONCOMPACTION; CARDIOMYOPATHY, FAMILIAL HYPERTROPHIC, 23, WITH OR WITHOUT LEFT VENTRICULAR NONCOMPACTION; Cardiomyopathy, dilated, 1AA, with or without LVNC. Identifiers: Orphanet 154, MedGen C2677338, MONDO:0012808, OMIM 612158.

Submission:

Labcorp Genetics (formerly Invitae), Labcorp
Classification: Uncertain significance for Primary familial hypertrophic cardiomyopathy; Dilated cardiomyopathy 1AA. Last evaluated: 2024-08-27. Review status: criteria provided, single submitter. Criteria: Invitae Variant Classification Sherloc (09022015). Collection method: clinical testing. Allele origin: germline.
Comment: This sequence change replaces alanine, which is neutral and non-polar, with threonine, which is neutral and polar, at codon 446 of the ACTN2 protein (p.Ala446Thr). This variant is not present in population databases (gnomAD no frequency). This variant has not been reported in the literature in individuals affected with ACTN2-related conditions. Invitae Evidence Modeling of protein sequence and biophysical properties (such as structural, functional, and spatial information, amino acid conservation, physicochemical variation, residue mobility, and thermodynamic stability) has been performed for this missense variant. However, the output from this modeling did not meet the statistical confidence thresholds required to predict the impact of this variant on ACTN2 protein function. In summary, the available evidence is currently insufficient to determine the role of this variant in disease. Therefore, it has been classified as a Variant of Uncertain Significance.

NM_001103.4(ACTN2):c.1336G>A (p.Ala446Thr)

Gene: ACTN2 (actinin alpha 2; plus strand). Cytogenetic location: 1q43.
Variant type: single nucleotide variant.
Coding change: c.1336G>A on transcript NM_001103.4 (MANE Select); coding-DNA position 1336, G replaced by A.
Protein change: p.Ala446Thr; replaces alanine 446 with threonine.
Molecular consequence: missense variant. On other transcripts: non-coding transcript variant (1).
Genome position (GRCh38, 1-based): chr1:236,744,706, G>A. VCF-style: chr1-236744706-G-A. GRCh37 (hg19) VCF-style: chr1-236908006-G-A.
Other names: c.1336G>A, p.Ala446Thr (NM_001278343.2); short protein forms A446T.
Identifiers: ClinVar variation 3751274 (VCV003751274.2).